The following is an entry in ClinVar:

ClinVar aggregate classification (germline): Uncertain significance (1 of 4 stars; one submission).

gnomAD v4.1: 3 of 1,613,500 alleles (0.00019%); highest among the groups gnomAD compares: Non-Finnish European, 0.00025%; no homozygotes.

Submission:

GeneDx
Classification: Uncertain significance. Last evaluated: 2024-10-03. Review status: criteria provided, single submitter. Criteria: GeneDx Variant Classification Process June 2021. Collection method: clinical testing. Allele origin: germline. Affected: yes.
Comment: Not observed at significant frequency in large population cohorts (gnomAD); In silico analysis indicates that this missense variant does not alter protein structure/function; Has not been previously published as pathogenic or benign to our knowledge

NM_005862.3(STAG1):c.494C>G (p.Thr165Ser)

Gene: STAG1 (STAG1 cohesin complex component; minus strand). Cytogenetic location: 3q22.3.
Variant type: single nucleotide variant.
Coding change: c.494C>G on transcript NM_005862.3 (MANE Select); coding-DNA position 494, C replaced by G.
Protein change: p.Thr165Ser; replaces threonine 165 with serine.
Molecular consequence: missense variant.
Genome position (GRCh38, 1-based): chr3:136,521,395, G>C on the plus strand (C>G on the coding strand, the complement: STAG1 is on the minus strand). VCF-style: chr3-136521395-G-C. GRCh37 (hg19) VCF-style: chr3-136240237-G-C.
Other names: short protein forms T165S.
Identifiers: ClinVar variation 3776349 (VCV003776349.1).